The following is an entry in ClinVar:

NM_012309.5(SHANK2):c.2710A>G (p.Thr904Ala)

Gene: SHANK2 (SH3 and multiple ankyrin repeat domains 2; minus strand). Cytogenetic location: 11q13.3.
Variant type: single nucleotide variant.
Coding change: c.2710A>G on transcript NM_012309.5 (MANE Select); coding-DNA position 2710, A replaced by G.
Protein change: p.Thr904Ala; replaces threonine 904 with alanine.
Molecular consequence: missense variant.
Genome position (GRCh38, 1-based): chr11:70,487,583, T>C on the plus strand (A>G on the coding strand, the complement: SHANK2 is on the minus strand). VCF-style: chr11-70487583-T-C. GRCh37 (hg19) VCF-style: chr11-70333688-T-C.
Other names: c.1573A>G, p.Thr525Ala (NM_001379226.1); c.946A>G, p.Thr316Ala (NM_133266.5); short protein forms T316A, T525A, T904A.
Identifiers: ClinVar variation 3373010 (VCV003373010.1).

ClinVar aggregate classification (germline): Uncertain significance (1 of 4 stars; one submission).

Submission:

GeneDx
Classification: Uncertain significance. Last evaluated: 2024-05-03. Review status: criteria provided, single submitter. Criteria: GeneDx Variant Classification Process June 2021. Collection method: clinical testing. Allele origin: germline. Affected: yes.
Comment: Not observed at significant frequency in large population cohorts (gnomAD); In silico analysis supports that this missense variant does not alter protein structure/function; Has not been previously published as pathogenic or benign to our knowledge